The following is an entry in ClinVar:

NM_001330691.3(CEP78):c.898T>C (p.Ser300Pro)

Gene: CEP78 (centrosomal protein 78; plus strand). Cytogenetic location: 9q21.2.
Variant type: single nucleotide variant.
Coding change: c.898T>C on transcript NM_001330691.3 (MANE Select); coding-DNA position 898, T replaced by C.
Protein change: p.Ser300Pro; replaces serine 300 with proline.
Molecular consequence: missense variant.
Genome position (GRCh38, 1-based): chr9:78,248,296, T>C. VCF-style: chr9-78248296-T-C. GRCh37 (hg19) VCF-style: chr9-80863212-T-C.
Other names: c.898T>C, p.Ser300Pro (NM_001098802.3, NM_001330693.3, NM_001330694.2 and 4 more transcripts); short protein forms S300P.
Identifiers: ClinVar variation 667088 (VCV000667088.58), dbSNP rs72743760, ClinGen allele CA5095079.

ClinVar aggregate classification (germline): Likely benign. Review status: criteria provided, multiple submitters, no conflicts (2 of 4 stars). 6 submissions from 6 submitters: Likely benign (5). 1 of the submissions does not count toward it. Last evaluated 2026-06-01.

Conditions:
CEP78-related disorder. Also called: CEP78-related condition.

Allele frequency attached by ClinVar (database versions not stated): 1000 Genomes Project 0.00060; 1000 Genomes Project 30x 0.00062; gnomAD 0.00143 and 0.00158; TOPMed 0.00153; gnomAD exomes 0.00177; ESP Exome Variant Server 0.00179; ExAC 0.00251.
gnomAD v4.1: 3,085 of 1,531,384 alleles (0.2%); highest among the groups gnomAD compares: Non-Finnish European, 0.25%; 9 homozygotes.

Submissions (6):

CeGaT Center for Human Genetics Tuebingen
Classification: Likely benign. Last evaluated: 2026-06-01. Review status: criteria provided, single submitter. Criteria: CeGaT Center For Human Genetics Tuebingen Variant Classification Criteria Version 2. Collection method: clinical testing. Allele origin: germline. Affected: yes. Observed: 3 variant alleles.
Comment: CEP78: BP4, BS2

Labcorp Genetics (formerly Invitae), Labcorp
Classification: Likely benign. Last evaluated: 2026-01-29. Review status: criteria provided, single submitter. Criteria: Invitae Variant Classification Sherloc (09022015). Collection method: clinical testing. Allele origin: germline.

Blueprint Genetics
Classification: Likely benign. Last evaluated: 2024-11-20. Review status: criteria provided, single submitter. Criteria: ACMG Guidelines, 2015. Collection method: clinical testing. Allele origin: germline.

Laboratory for Molecular Medicine, Mass General Brigham Personalized Medicine
Classification: Likely benign. Last evaluated: 2017-08-23. Review status: criteria provided, single submitter. Criteria: LMM Criteria. Collection method: clinical testing. Allele origin: germline. Observed: 1 variant allele.
Comment: p.Ser300Pro in exon 7 of CEP78: This variant is not expected to have clinical si gnificance because it has been identified in 0.41% (228/56154) of European chrom osomes by the Exome Aggregation Consortium (ExAC ; dbSNP rs72743760).

Breakthrough Genomics
Classification: Likely benign. Review status: criteria provided, single submitter. Criteria: ACMG Guidelines, 2015. Collection method: not provided. Allele origin: germline. Inheritance: Autosomal recessive inheritance. Affected: yes.

PreventionGenetics, part of Exact Sciences
Classification: Likely benign for CEP78-related condition. Last evaluated: 2022-02-17. Review status: no assertion criteria provided. Collection method: clinical testing. Allele origin: germline. Not counted in ClinVar's aggregate classification.
Comment: This variant is classified as likely benign based on ACMG/AMP sequence variant interpretation guidelines (Richards et al. 2015 PMID: 25741868, with internal and published modifications).